The following is an entry in ClinVar:

NM_001127198.5(TMC6):c.2325C>G (p.Tyr775Ter)

Gene: TMC6 (transmembrane channel like 6; minus strand). Cytogenetic location: 17q25.3.
Variant type: single nucleotide variant.
Coding change: c.2325C>G on transcript NM_001127198.5 (MANE Select); coding-DNA position 2325, C replaced by G.
Protein change: p.Tyr775Ter; replaces tyrosine 775 with a stop codon.
Molecular consequence: nonsense.
Genome position (GRCh38, 1-based): chr17:78,113,577, G>C on the plus strand (C>G on the coding strand, the complement: TMC6 is on the minus strand). VCF-style: chr17-78113577-G-C. GRCh37 (hg19) VCF-style: chr17-76109658-G-C.
Other names: c.2325C>G, p.Tyr775Ter (NM_001321185.1, NM_001374596.1, NM_001375353.1 and 2 more transcripts); c.2145C>G, p.Tyr715Ter (NM_001374593.1, NM_001374594.1); short protein forms Y775*, Y715*.
Identifiers: ClinVar variation 860240 (VCV000860240.1), dbSNP rs370394664, ClinGen allele CA401222214.

ClinVar aggregate classification (germline): Uncertain significance (1 of 4 stars; one submission).

Conditions:
Epidermodysplasia verruciformis. Identifiers: Orphanet 302, MedGen C0014522, MONDO:0009176.

gnomAD v4.1: 1 of 1,613,844 alleles (0.000062%); highest among the groups gnomAD compares: Middle Eastern, 0.016%; no homozygotes.

Submission:

Labcorp Genetics (formerly Invitae), Labcorp
Classification: Uncertain significance for Epidermodysplasia verruciformis. Last evaluated: 2019-01-23. Review status: criteria provided, single submitter. Criteria: Invitae Variant Classification Sherloc (09022015). Collection method: clinical testing. Allele origin: germline.
Comment: This sequence change results in a premature translational stop signal in the TMC6 gene (p.Tyr775*). While this is not anticipated to result in nonsense mediated decay, it is expected to disrupt the last 31 amino acids of the TMC6 protein. This variant is not present in population databases (ExAC no frequency). This variant has not been reported in the literature in individuals with TMC6-related conditions. Experimental studies are not available for this variant, and the functional significance of the affected amino acid(s) is currently unknown. In summary, the available evidence is currently insufficient to determine the role of this variant in disease. Therefore, it has been classified as a Variant of Uncertain Significance.